The following is an entry in ClinVar:

NM_000338.3(SLC12A1):c.1757G>A (p.Cys586Tyr)

Gene: SLC12A1 (solute carrier family 12 member 1; plus strand). Cytogenetic location: 15q21.1.
Variant type: single nucleotide variant.
Coding change: c.1757G>A on transcript NM_000338.3 (MANE Select); coding-DNA position 1757, G replaced by A.
Protein change: p.Cys586Tyr; replaces cysteine 586 with tyrosine.
Molecular consequence: missense variant.
Genome position (GRCh38, 1-based): chr15:48,249,647, G>A. VCF-style: chr15-48249647-G-A. GRCh37 (hg19) VCF-style: chr15-48541844-G-A.
Other names: c.1757G>A, p.Cys586Tyr (NM_001184832.2, NM_001384136.1); short protein forms C586Y.
Identifiers: ClinVar variation 2444378 (VCV002444378.3), dbSNP rs2505094033, ClinGen allele CA392313309.

ClinVar aggregate classification (germline): Uncertain significance. Review status: criteria provided, multiple submitters, no conflicts (2 of 4 stars). 2 submissions from 2 submitters: Uncertain significance (2). Last evaluated 2023-02-23.

Conditions:
Bartter disease type 1. Also called: Bartter syndrome, type 1, antenatal; HYPERPROSTAGLANDIN E SYNDROME 1; Bartter Syndrome type 1; HYPOKALEMIC ALKALOSIS WITH HYPERCALCIURIA 1, ANTENATAL. Identifiers: Orphanet 112, Orphanet 620217, MedGen C1866495, MONDO:0100344, OMIM 601678, MONDO:0011127.

Submissions (2):

3billion
Classification: Uncertain significance for Bartter disease type 1. Last evaluated: 2023-02-23. Review status: criteria provided, single submitter. Criteria: ACMG Guidelines, 2015. Collection method: clinical testing. Allele origin: unknown. Affected: yes.
Comment: The variant is not observed in the gnomAD v2.1.1 dataset. In silico tool predictions suggest damaging effect of the variant on gene or gene product (REVEL: 0.91; 3Cnet: 0.72). Therefore, this variant is classified as VUS according to the recommendation of ACMG/AMP guideline.

Juno Genomics, Hangzhou Juno Genomics, Inc
Classification: Uncertain significance for Bartter disease type 1. Review status: criteria provided, single submitter. Criteria: ACMG Guidelines, 2015. Collection method: clinical testing. Allele origin: germline.
Comment: Absent from controls (or at extremely low frequency if recessive) in Genome Aggregation Database.;Multiple lines of computational evidence support a deleterious effect on the gene or gene product.;Patient's phenotype or family history is highly specific for a disease with a single genetic etiology.